The following is an entry in ClinVar:

ClinVar aggregate classification (germline): Uncertain significance. Review status: criteria provided, multiple submitters, no conflicts (2 of 4 stars). 2 submissions from 2 submitters: Uncertain significance (2). Last evaluated 2024-02-04.

Conditions:
Hereditary cancer-predisposing syndrome. Also called: Tumor predisposition; Hereditary neoplastic syndrome; Hereditary Cancer Syndrome; Neoplastic Syndromes, Hereditary. Identifiers: Orphanet 140162, MedGen C0027672, MeSH D009386, MONDO:0015356.
Familial adenomatous polyposis 1 (FAP1). Also called: FAMILIAL ADENOMATOUS POLYPOSIS 1, ATTENUATED; POLYPOSIS, ADENOMATOUS INTESTINAL. Identifiers: MedGen C2713442, MONDO:0021056, OMIM 175100. Disease mechanism: loss of function.

Submissions (2):

Ambry Genetics
Classification: Uncertain significance for Hereditary cancer-predisposing syndrome. Last evaluated: 2024-02-04. Review status: criteria provided, single submitter. Criteria: Ambry Variant Classification Scheme 2023. Collection method: clinical testing. Allele origin: germline.
Comment: The p.Y2195F variant (also known as c.6584A>T), located in coding exon 15 of the APC gene, results from an A to T substitution at nucleotide position 6584. The tyrosine at codon 2195 is replaced by phenylalanine, an amino acid with highly similar properties. This amino acid position is conserved. In addition, in silico predictors for this gene do not accurately predict pathogenicity. Based on the available evidence, the clinical significance of this alteration remains unclear.

Labcorp Genetics (formerly Invitae), Labcorp
Classification: Uncertain significance for Familial adenomatous polyposis 1. Last evaluated: 2023-10-10. Review status: criteria provided, single submitter. Criteria: Invitae Variant Classification Sherloc (09022015). Collection method: clinical testing. Allele origin: germline.
Comment: This sequence change replaces tyrosine, which is neutral and polar, with phenylalanine, which is neutral and non-polar, at codon 2195 of the APC protein (p.Tyr2195Phe). This variant is not present in population databases (gnomAD no frequency). This variant has not been reported in the literature in individuals affected with APC-related conditions. ClinVar contains an entry for this variant (Variation ID: 1464317). Advanced modeling of protein sequence and biophysical properties (such as structural, functional, and spatial information, amino acid conservation, physicochemical variation, residue mobility, and thermodynamic stability) performed at Invitae indicates that this missense variant is not expected to disrupt APC protein function. In summary, the available evidence is currently insufficient to determine the role of this variant in disease. Therefore, it has been classified as a Variant of Uncertain Significance.

NM_000038.6(APC):c.6584A>T (p.Tyr2195Phe)

Gene: APC (APC regulator of Wnt signaling pathway; plus strand). Cytogenetic location: 5q22.2.
Variant type: single nucleotide variant.
Coding change: c.6584A>T on transcript NM_000038.6 (MANE Select); coding-DNA position 6584, A replaced by T.
Protein change: p.Tyr2195Phe; replaces tyrosine 2195 with phenylalanine.
Molecular consequence: missense variant.
Genome position (GRCh38, 1-based): chr5:112,842,178, A>T. VCF-style: chr5-112842178-A-T. GRCh37 (hg19) VCF-style: chr5-112177875-A-T.
Other names: c.6584A>T (NM_000038.5); c.6584A>T, p.Tyr2195Phe (NM_001127510.3, NM_001354895.2); c.6530A>T, p.Tyr2177Phe (NM_001127511.3); c.6638A>T, p.Tyr2213Phe (NM_001354896.2); c.6614A>T, p.Tyr2205Phe (NM_001354897.2); c.6509A>T, p.Tyr2170Phe (NM_001354898.2); c.6500A>T, p.Tyr2167Phe (NM_001354899.2); c.6461A>T, p.Tyr2154Phe (NM_001354900.2); and 6 more; short protein forms Y2136F, Y2170F, Y2205F, Y2213F, Y1912F, Y2167F, Y2177F, Y2195F.
Identifiers: ClinVar variation 1464317 (VCV001464317.9), dbSNP rs2149968267, ClinGen allele CA16035738.
Genomic context (GRCh38, chr5:112,842,178, plus strand): 5'-CATTGGAAACTAAAAAGATAGAATCTGAAAGTAAAGGAATCAAAGGAGGAAAAAAAGTTT[A>T]TAAAAGTTTGATTACTGGAAAAGTTCGATCTAATTCAGAAATTTCAGGCCAAATGAAACA-3'
Protein context (NP_000029.2, residues 2185-2205): SKGIKGGKKV[Tyr2195Phe]KSLITGKVRS